The following is an entry in ClinVar:

NM_031935.3(HMCN1):c.14071G>A (p.Val4691Ile)

Gene: HMCN1 (hemicentin 1; plus strand). Cytogenetic location: 1q31.1.
Variant type: single nucleotide variant.
Coding change: c.14071G>A on transcript NM_031935.3 (MANE Select); coding-DNA position 14071, G replaced by A.
Protein change: p.Val4691Ile; replaces valine 4691 with isoleucine.
Molecular consequence: missense variant.
Genome position (GRCh38, 1-based): chr1:186,144,319, G>A. VCF-style: chr1-186144319-G-A. GRCh37 (hg19) VCF-style: chr1-186113451-G-A.
Other names: short protein forms V4691I.
Identifiers: ClinVar variation 4777167 (VCV004777167.1).

ClinVar aggregate classification (germline): Uncertain significance (1 of 4 stars; one submission).

gnomAD v4.1: 5 of 1,613,726 alleles (0.00031%); highest among the groups gnomAD compares: Non-Finnish European, 0.00042%; no homozygotes.

Submission:

Labcorp Genetics (formerly Invitae), Labcorp
Classification: Uncertain significance. Last evaluated: 2025-11-08. Review status: criteria provided, single submitter. Criteria: Invitae Variant Classification Sherloc (09022015). Collection method: clinical testing. Allele origin: germline.
Comment: This sequence change replaces valine, which is neutral and non-polar, with isoleucine, which is neutral and non-polar, at codon 4691 of the HMCN1 protein (p.Val4691Ile). This variant is not present in population databases (gnomAD no frequency). This variant has not been reported in the literature in individuals affected with HMCN1-related conditions. An algorithm developed to predict the effect of missense changes on protein structure and function outputs the following: PolyPhen-2: "Probably Damaging". The isoleucine amino acid residue is found in multiple mammalian species, which suggests that this missense change does not adversely affect protein function. In summary, the available evidence is currently insufficient to determine the role of this variant in disease. Therefore, it has been classified as a Variant of Uncertain Significance.